The following is an entry in ClinVar:

ClinVar aggregate classification (germline): Benign. Review status: criteria provided, multiple submitters, no conflicts (2 of 4 stars). 16 submissions from 13 submitters: Benign (15). 1 of the submissions does not count toward it. Last evaluated 2026-02-04.

Conditions:
Dyskeratosis congenita, autosomal dominant 2. Identifiers: MedGen C3151443, MONDO:0013521, OMIM 613989.
Idiopathic Pulmonary Fibrosis. Also called: Idiopathic fibrosing alveolitis, chronic form; idiopathic fibrosing alveolitis. Identifiers: Orphanet 2032, MedGen C1800706, MeSH D054990, MONDO:0800504.
Melanoma, cutaneous malignant, susceptibility to, 9. Also called: Cutaneous malignant melanoma 9. Identifiers: Orphanet 618, MedGen C3554574, MONDO:0014056, OMIM 615134.
Pulmonary fibrosis and/or bone marrow failure, Telomere-related, 1. Also called: PULMONARY FIBROSIS AND/OR BONE MARROW FAILURE SYNDROME, TELOMERE-RELATED, 1. Identifiers: Orphanet 88, MedGen C3553617, MONDO:0013878, OMIM 614742.
Dyskeratosis congenita. Identifiers: Orphanet 1775, MedGen C0265965, MONDO:0015780.
Acute myeloid leukemia (AML). Also called: Acute myeloid leukemia, adult; AML adult; Acute non-lymphocytic leukemia; Acute granulocytic leukemia; Leukemia, acute myeloid, somatic; Leukemia, acute myelogenous, somatic. Identifiers: Orphanet 519, MedGen C0023467, MeSH D015470, MONDO:0018874, OMIM 601626, HP:0004808. Disease mechanism: Constitutively activated FLT3.
Aplastic anemia. Identifiers: Orphanet 182040, Orphanet 88, MedGen C0002874, MONDO:0015909, OMIM 609135, HP:0001915.
Dyskeratosis congenita, autosomal dominant 1 (DKCA1). Also called: Dyskeratosis congenita Scoggins type. Identifiers: Orphanet 1775, MedGen C4551974, MONDO:0007485, OMIM 127550. Inheritance: Variable.

Allele frequency attached by ClinVar (database versions not stated): gnomAD 0.08834 and 0.09397; ExAC 0.12388; ESP Exome Variant Server 0.07381; gnomAD exomes 0.13029 and 0.11484; TOPMed 0.09749; 1000 Genomes Project 30x 0.11774; 1000 Genomes Project 0.11781.
gnomAD v4.1: 181,715 of 1,614,092 alleles (11%); highest among the groups gnomAD compares: East Asian, 25%; 12,045 homozygotes.

Submissions (16):

Labcorp Genetics (formerly Invitae), Labcorp
Classification: Benign for Dyskeratosis congenita, autosomal dominant 2; Idiopathic Pulmonary Fibrosis. Last evaluated: 2026-02-04. Review status: criteria provided, single submitter. Criteria: Invitae Variant Classification Sherloc (09022015). Collection method: clinical testing. Allele origin: germline.

ARUP Laboratories, Molecular Genetics and Genomics, ARUP Laboratories
Classification: Benign. Last evaluated: 2025-07-18. Review status: criteria provided, single submitter. Criteria: ARUP Molecular Germline Variant Investigation Process 2024. Collection method: clinical testing. Allele origin: germline.

KCCC/NGS Laboratory, Kuwait Cancer Control Center
Classification: Benign for Melanoma, cutaneous malignant, susceptibility to, 9. Last evaluated: 2025-02-01. Review status: criteria provided, single submitter. Criteria: ACMG Guidelines, 2015. Collection method: clinical testing. Allele origin: germline. Affected: no.

Blueprint Genetics
Classification: Benign. Last evaluated: 2024-11-26. Review status: criteria provided, single submitter. Criteria: ACMG Guidelines, 2015. Collection method: clinical testing. Allele origin: germline.

Unidad de Genómica Garrahan, Hospital de Pediatría Garrahan
Classification: Benign. Last evaluated: 2024-01-24. Review status: criteria provided, single submitter. Criteria: ACMG Guidelines, 2015. Collection method: clinical testing. Allele origin: germline. Affected: no. Observed: 39 variant alleles.
Comment: This variant is classified as Benign based on local population frequency. This variant was detected in 41% of patients studied by a panel of primary immunodeficiencies. Number of patients: 39. Only high quality variants are reported.

KCCC/NGS Laboratory, Kuwait Cancer Control Center
Classification: Benign for Acute myeloid leukemia. Last evaluated: 2023-07-07. Review status: criteria provided, single submitter. Criteria: ACMG Guidelines, 2015. Collection method: clinical testing. Allele origin: germline. Affected: yes.

Mayo Clinic Laboratories, Mayo Clinic
Classification: Benign. Last evaluated: 2018-05-29. Review status: criteria provided, single submitter. Criteria: ACMG Guidelines, 2015. Collection method: clinical testing. Allele origin: germline. Observed: 158 variant alleles.

Illumina Laboratory Services, Illumina
Classification: Benign for Aplastic anemia. Last evaluated: 2018-01-12. Review status: criteria provided, single submitter. Criteria: ICSL Variant Classification Criteria 13 December 2019. Collection method: clinical testing. Allele origin: germline.
Comment: This variant was observed in the ICSL laboratory as part of a predisposition screen in an ostensibly healthy population. It had not been previously curated by ICSL or reported in the Human Gene Mutation Database (HGMD: prior to June 1st, 2018), and was therefore a candidate for classification through an automated scoring system. Utilizing variant allele frequency, disease prevalence and penetrance estimates, and inheritance mode, an automated score was calculated to assess if this variant is too frequent to cause the disease. Based on the score and internal cut-off values, a variant classified as benign is not then subjected to further curation. The score for this variant resulted in a classification of benign for this disease.

Illumina Laboratory Services, Illumina
Classification: Benign for Pulmonary fibrosis and/or bone marrow failure, Telomere-related, 1. Last evaluated: 2018-01-12. Review status: criteria provided, single submitter. Criteria: ICSL Variant Classification Criteria 13 December 2019. Collection method: clinical testing. Allele origin: germline.
Comment: the same text as in the submission from Illumina Laboratory Services, Illumina above.

Illumina Laboratory Services, Illumina
Classification: Benign for Dyskeratosis congenita, autosomal dominant 2. Last evaluated: 2018-01-12. Review status: criteria provided, single submitter. Criteria: ICSL Variant Classification Criteria 13 December 2019. Collection method: clinical testing. Allele origin: germline.
Comment: the same text as in the submission from Illumina Laboratory Services, Illumina above.

GeneDx
Classification: Benign. Last evaluated: 2015-03-03. Review status: criteria provided, single submitter. Criteria: GeneDx Variant Classification Process June 2021. Collection method: clinical testing. Allele origin: germline. Affected: yes.

Ambry Genetics
Classification: Benign for Dyskeratosis congenita. Last evaluated: 2014-12-24. Review status: criteria provided, single submitter. Criteria: Ambry Variant Classification Scheme 2023. Collection method: clinical testing. Allele origin: germline.

Laboratory for Molecular Medicine, Mass General Brigham Personalized Medicine
Classification: Benign. Last evaluated: 2013-02-21. Review status: criteria provided, single submitter. Criteria: LMM Criteria. Collection method: clinical testing. Allele origin: germline. Observed: 26 variant alleles.
Comment: His1013His in exon 14 of TERT: This variant is not expected to have clinical sig nificance because it does not alter an amino acid residue and is not located wit hin the splice consensus sequence. It has been identified in 10.1% (862/8526) of European American chromosomes from a broad population by the NHLBI Exome Sequen cing Project (dbSNP rs33954691).

Breakthrough Genomics
Classification: Benign. Review status: criteria provided, single submitter. Criteria: ACMG Guidelines, 2015. Collection method: not provided. Allele origin: germline. Inheritance: Autosomal dominant inheritance. Affected: yes.

PreventionGenetics, part of Exact Sciences
Classification: Benign. Review status: criteria provided, single submitter. Criteria: ACMG Guidelines, 2015. Collection method: clinical testing. Allele origin: germline.

GeneReviews
No classification provided. Condition: Dyskeratosis congenita, autosomal dominant 1. Review status: no classification provided. Collection method: literature only. Allele origin: unknown. Not counted in ClinVar's aggregate classification.

Literature cited by the submitters: PubMed 20301779 (cited by GeneReviews); NCBI Bookshelf NBK22301 (cited by GeneReviews).

NM_198253.3(TERT):c.3039C>T (p.His1013=)

Gene: TERT (telomerase reverse transcriptase; minus strand). Cytogenetic location: 5p15.33.
Variant type: single nucleotide variant.
Coding change: c.3039C>T on transcript NM_198253.3 (MANE Select); coding-DNA position 3039, C replaced by T.
Protein change: p.His1013=; no amino-acid change (histidine 1013 retained).
Molecular consequence: synonymous variant. On other transcripts: non-coding transcript variant (2).
Genome position (GRCh38, 1-based): chr5:1,255,405, G>A on the plus strand (C>T on the coding strand, the complement: TERT is on the minus strand). VCF-style: chr5-1255405-G-A. GRCh37 (hg19) VCF-style: chr5-1255520-G-A.
Other names: p.His1013=; c.2850C>T, p.His950= (NM_001193376.3).
Identifiers: ClinVar variation 39119 (VCV000039119.38), dbSNP rs33954691, ClinGen allele CA178127.